The following is an entry in ClinVar:

ClinVar aggregate classification (germline): Uncertain significance. Review status: criteria provided, multiple submitters, no conflicts (2 of 4 stars). 2 submissions from 2 submitters: Uncertain significance (2). Last evaluated 2025-10-26.

Conditions:
Inborn genetic diseases. Identifiers: MedGen C0950123, MeSH D030342.

Allele frequency attached by ClinVar (database versions not stated): TOPMed 0.00001; gnomAD exomes 0.00003; ExAC 0.00006; gnomAD 0.00001; 1000 Genomes Project 30x 0.00016; 1000 Genomes Project 0.00020.
gnomAD v4.1: 41 of 1,613,706 alleles (0.0025%); highest among the groups gnomAD compares: East Asian, 0.0089%; no homozygotes.

Submissions (2):

Labcorp Genetics (formerly Invitae), Labcorp
Classification: Uncertain significance. Last evaluated: 2025-10-26. Review status: criteria provided, single submitter. Criteria: Invitae Variant Classification Sherloc (09022015). Collection method: clinical testing. Allele origin: germline.
Comment: This sequence change replaces glycine, which is neutral and non-polar, with serine, which is neutral and polar, at codon 253 of the TGM6 protein (p.Gly253Ser). The frequency data for this variant in the population databases is considered unreliable, as metrics indicate poor data quality at this position in the gnomAD database. This variant has not been reported in the literature in individuals affected with TGM6-related conditions. ClinVar contains an entry for this variant (Variation ID: 2908674). Invitae Evidence Modeling of protein sequence and biophysical properties (such as structural, functional, and spatial information, amino acid conservation, physicochemical variation, residue mobility, and thermodynamic stability) indicates that this missense variant is not expected to disrupt TGM6 protein function with a negative predictive value of 80%. In summary, the available evidence is currently insufficient to determine the role of this variant in disease. Therefore, it has been classified as a Variant of Uncertain Significance.

Ambry Genetics
Classification: Uncertain significance for Inborn genetic diseases. Last evaluated: 2025-04-30. Review status: criteria provided, single submitter. Criteria: Ambry Variant Classification Scheme 2023. Collection method: clinical testing. Allele origin: germline.

NM_198994.3(TGM6):c.757G>A (p.Gly253Ser)

Gene: TGM6 (transglutaminase 6; plus strand). Cytogenetic location: 20p13.
Variant type: single nucleotide variant.
Coding change: c.757G>A on transcript NM_198994.3 (MANE Select); coding-DNA position 757, G replaced by A.
Protein change: p.Gly253Ser; replaces glycine 253 with serine.
Molecular consequence: missense variant.
Genome position (GRCh38, 1-based): chr20:2,399,645, G>A. VCF-style: chr20-2399645-G-A. GRCh37 (hg19) VCF-style: chr20-2380291-G-A.
Other names: c.757G>A, p.Gly253Ser (NM_001254734.2); c.757G>A (NM_198994.2); short protein forms G253S.
Identifiers: ClinVar variation 2908674 (VCV002908674.5), dbSNP rs566515306, ClinGen allele CA9731812.